The following is an entry in ClinVar:

ClinVar aggregate classification (germline): Benign/Likely benign. Review status: criteria provided, multiple submitters, no conflicts (2 of 4 stars). 4 submissions from 4 submitters: Benign (3); Likely benign (1). Last evaluated 2026-07-01.

Allele frequency attached by ClinVar (database versions not stated): 1000 Genomes Project 30x 0.00375; 1000 Genomes Project 0.00379; TOPMed 0.00782; gnomAD 0.00803 and 0.00826; ESP Exome Variant Server 0.00900.
gnomAD v4.1: 18,834 of 1,614,152 alleles (1.2%); highest among the groups gnomAD compares: Non-Finnish European, 1.5%; 136 homozygotes.

Submissions (4):

CeGaT Center for Human Genetics Tuebingen
Classification: Benign. Last evaluated: 2026-07-01. Review status: criteria provided, single submitter. Criteria: CeGaT Center For Human Genetics Tuebingen Variant Classification Criteria Version 2. Collection method: clinical testing. Allele origin: germline. Affected: yes. Observed: 14 variant alleles.
Comment: VWF: BP4, BP7, BS1, BS2

ARUP Laboratories, Molecular Genetics and Genomics, ARUP Laboratories
Classification: Benign. Last evaluated: 2025-07-07. Review status: criteria provided, single submitter. Criteria: ARUP Molecular Germline Variant Investigation Process 2024. Collection method: clinical testing. Allele origin: germline.

Quest Diagnostics Nichols Institute San Juan Capistrano
Classification: Benign. Last evaluated: 2025-05-19. Review status: criteria provided, single submitter. Criteria: Quest Diagnostics criteria. Collection method: clinical testing. Allele origin: unknown.

Mayo Clinic Laboratories, Mayo Clinic
Classification: Likely benign. Last evaluated: 2021-09-23. Review status: criteria provided, single submitter. Criteria: ACMG Guidelines, 2015. Collection method: clinical testing. Allele origin: germline. Observed: 15 variant alleles.

Literature cited by the submitters: PubMed 28971901 (cited by Quest Diagnostics Nichols Institute San Juan Capistrano).

NM_000552.5(VWF):c.5277C>T (p.Asp1759=)

Gene: VWF (von Willebrand factor; minus strand). Cytogenetic location: 12p13.31.
Variant type: single nucleotide variant.
Coding change: c.5277C>T on transcript NM_000552.5 (MANE Select); coding-DNA position 5277, C replaced by T.
Protein change: p.Asp1759=; no amino-acid change (aspartic acid 1759 retained).
Molecular consequence: synonymous variant.
Genome position (GRCh38, 1-based): chr12:6,016,550, G>A on the plus strand (C>T on the coding strand, the complement: VWF is on the minus strand). VCF-style: chr12-6016550-G-A. GRCh37 (hg19) VCF-style: chr12-6125716-G-A.
Other names: p.Asp1759=.
Identifiers: ClinVar variation 310061 (VCV000310061.53), dbSNP rs41276736, ClinGen allele CA6402333.